The following is an entry in ClinVar:

ClinVar aggregate classification (germline): Uncertain significance (1 of 4 stars; one submission).

Allele frequency attached by ClinVar (database versions not stated): gnomAD exomes below 0.00001.
gnomAD v4.1: 2 of 1,609,174 alleles (0.00012%); highest among the groups gnomAD compares: South Asian, 0.0022%; no homozygotes.

Submission:

Labcorp Genetics (formerly Invitae), Labcorp
Classification: Uncertain significance. Last evaluated: 2022-11-24. Review status: criteria provided, single submitter. Criteria: Invitae Variant Classification Sherloc (09022015). Collection method: clinical testing. Allele origin: germline.
Comment: Algorithms developed to predict the effect of missense changes on protein structure and function output the following: SIFT: "Tolerated"; PolyPhen-2: "Benign"; Align-GVGD: "Class C0". The alanine amino acid residue is found in multiple mammalian species, which suggests that this missense change does not adversely affect protein function. In summary, the available evidence is currently insufficient to determine the role of this variant in disease. Therefore, it has been classified as a Variant of Uncertain Significance. This variant has not been reported in the literature in individuals affected with NUP62-related conditions. This sequence change replaces threonine, which is neutral and polar, with alanine, which is neutral and non-polar, at codon 278 of the NUP62 protein (p.Thr278Ala). This variant is present in population databases (no rsID available, gnomAD 0.003%).

NM_016553.5(NUP62):c.832A>G (p.Thr278Ala)

Genes: IL4I1 (interleukin 4 induced 1; minus strand), NUP62 (nucleoporin 62; minus strand). Cytogenetic location: 19q13.33.
Variant type: single nucleotide variant.
Coding change: c.832A>G on transcript NM_016553.5 (MANE Select); coding-DNA position 832, A replaced by G.
Protein change: p.Thr278Ala; replaces threonine 278 with alanine.
Molecular consequence: missense variant. On other transcripts: intron variant (3).
Genome position (GRCh38, 1-based): chr19:49,908,976, T>C on the plus strand (A>G on the coding strand, the complement: NUP62 is on the minus strand). VCF-style: chr19-49908976-T-C. GRCh37 (hg19) VCF-style: chr19-50412233-T-C.
Other names: c.832A>G, p.Thr278Ala (NM_001193357.2, NM_012346.5, NM_153718.4 and 1 more transcripts); c.-227-4655A>G (NM_001258017.2, NM_172374.3); c.-285-4655A>G (NM_001258018.2); short protein forms T278A.
Identifiers: ClinVar variation 2797835 (VCV002797835.3), dbSNP rs1271060989, ClinGen allele CA406925805.
Genomic context (GRCh38, chr19:49,908,976, plus strand): 5'-CCAGTGGTTTTAAATTCAAGGCAAAGCCGGTGGTGCTGCTGCTGCTGGTGGTGGTGGCGG[T>C]GGCGGTGGCAGCGGTGGATGTTGTTGTGGAGGTGCCGGAAGCTGCTCCAGGTGCCTTTAA-3'
Protein context (NP_057637.2, residues 268-288): STTTSTAATA[Thr278Ala]ATTTSSSSTT